The following is an entry in ClinVar:

ClinVar aggregate classification (germline): Pathogenic (1 of 4 stars; one submission).

Conditions:
Familial cancer of breast. Also called: BREAST CANCER, FAMILIAL; Hereditary breast cancer; hereditary breast carcinoma. Identifiers: Orphanet 227535, MedGen C0346153, MONDO:0016419, OMIM 114480. Disease mechanism: loss of function.

Submission:

Myriad Genetics, Inc.
Classification: Pathogenic for Familial cancer of breast. Last evaluated: 2024-01-18. Review status: criteria provided, single submitter. Criteria: Myriad Autosomal Dominant, Autosomal Recessive and X-Linked Classification Criteria (2023). Collection method: clinical testing. Allele origin: unknown.
Comment: This variant is considered pathogenic. This variant creates a frameshift predicted to result in premature protein truncation.

NM_000051.4(ATM):c.2881_2885del (p.Leu961fs)

Gene: ATM (ATM serine/threonine kinase; plus strand). Cytogenetic location: 11q22.3.
Variant type: Deletion.
Coding change: c.2881_2885del on transcript NM_000051.4 (MANE Select); coding-DNA positions 2881 to 2885, 5 bases deleted (TTGCC; older notation c.2881_2885delTTGCC).
Protein change: p.Leu961fs; shifts the reading frame from leucine 961.
Molecular consequence: frameshift variant.
Genome position (GRCh38, 1-based): chr11:108,271,106-108,271,110, TTGCC deleted; deleting any 5 consecutive bases within chr11:108,271,104-108,271,110 gives the same sequence; the c. name uses the placement nearest the transcript's 3' end. VCF-style (leftmost placement, unchanged base first): chr11-108271103-CCCTTG-C. GRCh37 (hg19) VCF-style: chr11-108141830-CCCTTG-C.
Other names: c.2881_2885del, p.Leu961fs (NM_001351834.2); short protein forms L961fs.
Identifiers: ClinVar variation 3148479 (VCV003148479.1), dbSNP rs2497678007, ClinGen allele CA2825001817.